The following is an entry in ClinVar:

NM_001080458.2(EVX2):c.1083A>T (p.Ala361=)

Gene: EVX2 (even-skipped homeobox 2; minus strand). Cytogenetic location: 2q31.1.
Variant type: single nucleotide variant.
Coding change: c.1083A>T on transcript NM_001080458.2 (MANE Select); coding-DNA position 1083, A replaced by T.
Protein change: p.Ala361=; no amino-acid change (alanine 361 retained).
Molecular consequence: synonymous variant.
Genome position (GRCh38, 1-based): chr2:176,080,455, T>A on the plus strand (A>T on the coding strand, the complement: EVX2 is on the minus strand). VCF-style: chr2-176080455-T-A. GRCh37 (hg19) VCF-style: chr2-176945183-T-A.
Identifiers: ClinVar variation 3049127 (VCV003049127.2), dbSNP rs1689126045, ClinGen allele CA430227715.

ClinVar aggregate classification (germline): Likely benign (0 of 4 stars; one submission).

Conditions:
EVX2-related disorder. Also called: EVX2-related condition.

Submission:

PreventionGenetics, part of Exact Sciences
Classification: Likely benign for EVX2-related condition. Last evaluated: 2023-01-31. Review status: no assertion criteria provided. Collection method: clinical testing. Allele origin: germline.
Comment: This variant is classified as likely benign based on ACMG/AMP sequence variant interpretation guidelines (Richards et al. 2015 PMID: 25741868, with internal and published modifications).